The following is an entry in ClinVar:

ClinVar aggregate classification (germline): Conflicting classifications of pathogenicity. Review status: criteria provided, conflicting classifications (1 of 4 stars). 4 submissions from 4 submitters: Uncertain significance (2); Likely benign (1). 1 of the submissions does not count toward it. Last evaluated 2025-01-01.

Conditions:
PKD1L1-related disorder. Also called: PKD1L1-related condition.
Inborn genetic diseases. Identifiers: MedGen C0950123, MeSH D030342.

Allele frequency attached by ClinVar (database versions not stated): ESP Exome Variant Server 0.00015; ExAC 0.00046; gnomAD 0.00047; TOPMed 0.00063; 1000 Genomes Project 0.00140; 1000 Genomes Project 30x 0.00172.
gnomAD v4.1: 423 of 1,614,020 alleles (0.026%); highest among the groups gnomAD compares: Middle Eastern, 0.15%; 1 homozygote.

Submissions (4):

CeGaT Center for Human Genetics Tuebingen
Classification: Likely benign. Last evaluated: 2025-01-01. Review status: criteria provided, single submitter. Criteria: CeGaT Center For Human Genetics Tuebingen Variant Classification Criteria Version 2. Collection method: clinical testing. Allele origin: germline. Affected: yes. Observed: 2 variant alleles.
Comment: PKD1L1: BP4

Blueprint Genetics
Classification: Uncertain significance. Last evaluated: 2024-03-21. Review status: criteria provided, single submitter. Criteria: ACMG Guidelines, 2015. Collection method: clinical testing. Allele origin: germline.

Ambry Genetics
Classification: Uncertain significance for Inborn genetic diseases. Last evaluated: 2021-10-06. Review status: criteria provided, single submitter. Criteria: Ambry Variant Classification Scheme 2023. Collection method: clinical testing. Allele origin: germline.

PreventionGenetics, part of Exact Sciences
Classification: Likely benign for PKD1L1-related condition. Last evaluated: 2022-04-05. Review status: no assertion criteria provided. Collection method: clinical testing. Allele origin: germline. Not counted in ClinVar's aggregate classification.
Comment: This variant is classified as likely benign based on ACMG/AMP sequence variant interpretation guidelines (Richards et al. 2015 PMID: 25741868, with internal and published modifications).

NM_138295.5(PKD1L1):c.2870C>T (p.Ser957Leu)

Gene: PKD1L1 (polycystin 1 like 1, transient receptor potential channel interacting; minus strand). Cytogenetic location: 7p12.3.
Variant type: single nucleotide variant.
Coding change: c.2870C>T on transcript NM_138295.5 (MANE Select); coding-DNA position 2870, C replaced by T.
Protein change: p.Ser957Leu; replaces serine 957 with leucine.
Molecular consequence: missense variant.
Genome position (GRCh38, 1-based): chr7:47,886,021, G>A on the plus strand (C>T on the coding strand, the complement: PKD1L1 is on the minus strand). VCF-style: chr7-47886021-G-A. GRCh37 (hg19) VCF-style: chr7-47925619-G-A.
Other names: short protein forms S957L.
Identifiers: ClinVar variation 2213468 (VCV002213468.28), dbSNP rs141074403, ClinGen allele CA4253598.